The following is an entry in ClinVar:

NM_014845.6(FIG4):c.447-17dup

Gene: FIG4 (FIG4 phosphoinositide 5-phosphatase; plus strand). Cytogenetic location: 6q21.
Variant type: Duplication.
Coding change: c.447-17dup on transcript NM_014845.6 (MANE Select); 17 bases into the intron before coding-DNA position 447, one base duplicated (T; older notation c.447-17dupT).
Molecular consequence: intron variant.
Genome position (GRCh38, 1-based): chr6:109,732,620, T duplicated; the last of 3 consecutive T bases (chr6:109,732,618-109,732,620); duplicating any one gives the same sequence. VCF-style (leftmost placement, unchanged base first): chr6-109732617-C-CT. GRCh37 (hg19) VCF-style: chr6-110053820-C-CT.
Identifiers: ClinVar variation 917083 (VCV000917083.38), dbSNP rs764540259, ClinGen allele CA3955784.

ClinVar aggregate classification (germline): Benign/Likely benign. Review status: criteria provided, multiple submitters, no conflicts (2 of 4 stars). 7 submissions from 7 submitters: Benign (1); Likely benign (4). 2 of the submissions do not count toward it. Last evaluated 2026-02-03.

Conditions:
Amyotrophic lateral sclerosis type 11 (ALS11). Identifiers: Orphanet 803, MedGen C2675491, MONDO:0012945, OMIM 612577.
Bilateral parasagittal parieto-occipital polymicrogyria. Also called: Polymicrogyria, bilateral temporooccipital. Identifiers: Orphanet 208441, MedGen C4013648, MONDO:0012986, OMIM 612691.
Charcot-Marie-Tooth disease type 4J (CMT4J). Also called: Charcot-Marie-Tooth Neuropathy Type 4J; CHARCOT-MARIE-TOOTH DISEASE, DEMYELINATING, TYPE 4J; CHARCOT-MARIE-TOOTH DISEASE, AUTOSOMAL RECESSIVE, TYPE 4J. Identifiers: Orphanet 139515, MedGen C1970011, MONDO:0012640, OMIM 611228.
Yunis-Varon syndrome (YVS). Also called: Cleidocranial dysplasia, micrognathia, absent thumbs, & distal aphalangia. Identifiers: Orphanet 3472, MedGen C1857663, MONDO:0008995, OMIM 216340.
Charcot-Marie-Tooth disease type 4. Also called: Charcot-Marie-Tooth disease, type IV; Charcot-Marie-Tooth, Type 4. Identifiers: Orphanet 64749, MedGen C4082197, MONDO:0018995.
Charcot-Marie-Tooth disease. Also called: Charcot-Marie-Tooth Neuropathy; Charcot-Marie-Tooth Hereditary Neuropathy. Identifiers: Orphanet 166, MedGen C0007959, MONDO:0015626.

Submissions (7):

Labcorp Genetics (formerly Invitae), Labcorp
Classification: Likely benign for Charcot-Marie-Tooth disease type 4. Last evaluated: 2026-02-03. Review status: criteria provided, single submitter. Criteria: Invitae Variant Classification Sherloc (09022015). Collection method: clinical testing. Allele origin: germline.

CeGaT Center for Human Genetics Tuebingen
Classification: Likely benign. Last evaluated: 2022-09-01. Review status: criteria provided, single submitter. Criteria: CeGaT Center For Human Genetics Tuebingen Variant Classification Criteria Version 2. Collection method: clinical testing. Allele origin: germline. Affected: yes. Observed: 1 variant allele.
Comment: FIG4: BS1

Fulgent Genetics
Classification: Likely benign for Yunis-Varon syndrome; Charcot-Marie-Tooth disease type 4J; Amyotrophic lateral sclerosis type 11; Bilateral parasagittal parieto-occipital polymicrogyria. Last evaluated: 2022-05-09. Review status: criteria provided, single submitter. Criteria: ACMG Guidelines, 2015. Collection method: clinical testing. Allele origin: unknown.

GeneDx
Classification: Likely benign. Last evaluated: 2018-10-02. Review status: criteria provided, single submitter. Criteria: GeneDx Variant Classification Process June 2021. Collection method: clinical testing. Allele origin: germline. Affected: yes.

Molecular Genetics Laboratory, London Health Sciences Centre
Classification: Benign for Charcot-Marie-Tooth disease. Review status: criteria provided, single submitter. Criteria: ACMG Guidelines, 2015. Collection method: clinical testing. Allele origin: germline. Affected: yes.

Clinical Genetics, Academic Medical Center
Classification: Likely benign. Review status: no assertion criteria provided. Collection method: clinical testing. Allele origin: germline. Affected: yes. Study: VKGL Data-share Consensus. Not counted in ClinVar's aggregate classification.

Genome Diagnostics Laboratory, University Medical Center Utrecht
Classification: Benign. Review status: no assertion criteria provided. Collection method: clinical testing. Allele origin: germline. Affected: yes. Study: VKGL Data-share Consensus. Not counted in ClinVar's aggregate classification.